The following is an entry in ClinVar:

ClinVar aggregate classification (germline): Uncertain significance. Review status: criteria provided, multiple submitters, no conflicts (2 of 4 stars). 2 submissions from 2 submitters: Uncertain significance (2). Last evaluated 2026-08-05.

Conditions:
Congenital lactic acidosis, Saguenay-Lac-Saint-Jean type (MC4DN5). Also called: MITOCHONDRIAL COMPLEX IV DEFICIENCY, NUCLEAR TYPE 5; CYTOCHROME c OXIDASE DEFICIENCY, FRENCH CANADIAN TYPE; COX DEFICIENCY, FRENCH CANADIAN TYPE. Identifiers: Orphanet 70472, MedGen C1857355, MONDO:0009069, OMIM 220111.

Allele frequency attached by ClinVar (database versions not stated): ExAC 0.00002; 1000 Genomes Project 30x 0.00047; gnomAD 0.00001; gnomAD exomes 0.00001; 1000 Genomes Project 0.00040; TOPMed 0.00001.
gnomAD v4.1: 12 of 1,605,100 alleles (0.00075%); highest among the groups gnomAD compares: Admixed American, 0.005%; no homozygotes.

Submissions (2):

GeneDx
Classification: Uncertain significance. Last evaluated: 2026-08-05. Review status: criteria provided, single submitter. Criteria: GeneDx Variant Classification Process June 2021. Collection method: clinical testing. Allele origin: germline.
Comment: Not observed at significant frequency in large population cohorts (gnomAD); In silico analysis supports that this missense variant has a deleterious effect on protein structure/function; Has not been previously published as pathogenic or benign to our knowledge

Illumina Laboratory Services, Illumina
Classification: Uncertain significance for Congenital lactic acidosis, Saguenay-Lac-Saint-Jean type. Last evaluated: 2018-01-12. Review status: criteria provided, single submitter. Criteria: ICSL Variant Classification Criteria 13 December 2019. Collection method: clinical testing. Allele origin: germline.

NM_133259.4(LRPPRC):c.2216G>A (p.Arg739His)

Gene: LRPPRC (leucine rich pentatricopeptide repeat containing; minus strand). Cytogenetic location: 2p21.
Variant type: single nucleotide variant.
Coding change: c.2216G>A on transcript NM_133259.4 (MANE Select); coding-DNA position 2216, G replaced by A.
Protein change: p.Arg739His; replaces arginine 739 with histidine.
Molecular consequence: missense variant.
Genome position (GRCh38, 1-based): chr2:43,945,412, C>T on the plus strand (G>A on the coding strand, the complement: LRPPRC is on the minus strand). VCF-style: chr2-43945412-C-T. GRCh37 (hg19) VCF-style: chr2-44172551-C-T.
Other names: short protein forms R739H.
Identifiers: ClinVar variation 336155 (VCV000336155.7), dbSNP rs187274438, ClinGen allele CA1638541.